The following is an entry in ClinVar:

NM_005529.7(HSPG2):c.2T>C (p.Met1Thr)

Gene: HSPG2 (heparan sulfate proteoglycan 2; minus strand). Cytogenetic location: 1p36.12.
Variant type: single nucleotide variant.
Coding change: c.2T>C on transcript NM_005529.7 (MANE Select); coding-DNA position 2, T replaced by C.
Protein change: p.Met1Thr; changes the start codon (methionine 1).
Molecular consequence: missense variant, initiator codon variant.
Genome position (GRCh38, 1-based): chr1:21,937,216, A>G on the plus strand (T>C on the coding strand, the complement: HSPG2 is on the minus strand). VCF-style: chr1-21937216-A-G. GRCh37 (hg19) VCF-style: chr1-22263709-A-G.
Other names: c.2T>C, p.Met1Thr (NM_001291860.2); short protein forms M1T.
Identifiers: ClinVar variation 2877509 (VCV002877509.3), dbSNP rs2152809609, ClinGen allele CA338910129.

ClinVar aggregate classification (germline): Uncertain significance (1 of 4 stars; one submission).

Submission:

Labcorp Genetics (formerly Invitae), Labcorp
Classification: Uncertain significance. Last evaluated: 2023-09-19. Review status: criteria provided, single submitter. Criteria: Invitae Variant Classification Sherloc (09022015). Collection method: clinical testing. Allele origin: germline.
Comment: In summary, the available evidence is currently insufficient to determine the role of this variant in disease. Therefore, it has been classified as a Variant of Uncertain Significance. Experimental studies and prediction algorithms are not available or were not evaluated, and the functional significance of this variant is currently unknown. This variant has not been reported in the literature in individuals affected with HSPG2-related conditions. This variant is not present in population databases (gnomAD no frequency). This sequence change affects the initiator methionine of the HSPG2 mRNA. The next in-frame methionine is located at codon 46.